The following is an entry in ClinVar:

NM_182914.3(SYNE2):c.10067+6T>C

Gene: SYNE2 (spectrin repeat containing nuclear envelope protein 2; plus strand). Cytogenetic location: 14q23.2.
Variant type: single nucleotide variant.
Coding change: c.10067+6T>C on transcript NM_182914.3 (MANE Select); 6 bases into the intron after coding-DNA position 10067, T replaced by C.
Molecular consequence: intron variant.
Genome position (GRCh38, 1-based): chr14:64,056,272, T>C. VCF-style: chr14-64056272-T-C. GRCh37 (hg19) VCF-style: chr14-64522990-T-C.
Other names: c.10067+6T>C (NM_015180.6).
Identifiers: ClinVar variation 2885262 (VCV002885262.3), dbSNP rs1386610286, ClinGen allele CA614735052.

ClinVar aggregate classification (germline): Uncertain significance (1 of 4 stars; one submission).

Conditions:
Emery-Dreifuss muscular dystrophy 5, autosomal dominant (EDMD5). Also called: EMERY-DREIFUSS MUSCULAR DYSTROPHY 5. Identifiers: Orphanet 261, MedGen C2751805, MONDO:0013072, OMIM 612999.

Allele frequency attached by ClinVar (database versions not stated): gnomAD exomes below 0.00001; gnomAD 0.00002; TOPMed 0.00002.
gnomAD v4.1: 6 of 1,611,800 alleles (0.00037%); highest among the groups gnomAD compares: African/African-American, 0.0067%; no homozygotes.

Submission:

Labcorp Genetics (formerly Invitae), Labcorp
Classification: Uncertain significance for Emery-Dreifuss muscular dystrophy 5, autosomal dominant. Last evaluated: 2023-09-29. Review status: criteria provided, single submitter. Criteria: Invitae Variant Classification Sherloc (09022015). Collection method: clinical testing. Allele origin: germline.
Comment: In summary, the available evidence is currently insufficient to determine the role of this variant in disease. Therefore, it has been classified as a Variant of Uncertain Significance. Variants that disrupt the consensus splice site are a relatively common cause of aberrant splicing (PMID: 17576681, 9536098). Algorithms developed to predict the effect of sequence changes on RNA splicing suggest that this variant is not likely to affect RNA splicing. This variant has not been reported in the literature in individuals affected with SYNE2-related conditions. This variant is present in population databases (no rsID available, gnomAD 0.008%). This sequence change falls in intron 49 of the SYNE2 gene. It does not directly change the encoded amino acid sequence of the SYNE2 protein. It affects a nucleotide within the consensus splice site.

Literature cited by the submitters: PubMed 17576681; PubMed 9536098.